The following is an entry in ClinVar:

NM_004333.6(BRAF):c.1742-13T>G

Gene: BRAF (B-Raf proto-oncogene, serine/threonine kinase; minus strand). Cytogenetic location: 7q34.
Variant type: single nucleotide variant.
Coding change: c.1742-13T>G on transcript NM_004333.6 (MANE Select); 13 bases into the intron before coding-DNA position 1742, T replaced by G.
Molecular consequence: intron variant.
Genome position (GRCh38, 1-based): chr7:140,753,406, A>C on the plus strand (T>G on the coding strand, the complement: BRAF is on the minus strand). VCF-style: chr7-140753406-A-C. GRCh37 (hg19) VCF-style: chr7-140453206-A-C.
Other names: c.1742-13T>G (NM_001378474.1, NM_001378468.1, NM_001354609.2); c.1640-13T>G (NM_001378470.1); c.1478-13T>G (NM_001378475.1); c.1631-13T>G (NM_001378471.1); c.1862-13T>G (NM_001374258.1, NM_001374244.1); c.1751-13T>G (NM_001378467.1); c.1586-13T>G (NM_001378472.1, NM_001378473.1); c.1676-13T>G (NM_001378469.1).
Identifiers: ClinVar variation 1711069 (VCV001711069.5), dbSNP rs2536000360, ClinGen allele CA2580077596.

ClinVar aggregate classification (germline): Uncertain significance. Review status: criteria provided, single submitter (1 of 4 stars). 2 submissions from 2 submitters: Uncertain significance (1). 1 of the submissions does not count toward it. Last evaluated 2025-01-18.

Conditions:
Prostate cancer, hereditary, 1 (HPC1). Identifiers: Orphanet 1331, MedGen C4722327, MONDO:0011098, OMIM 601518.
RASopathy. Also called: rasopathies; Noonan spectrum disorder. Identifiers: Orphanet 536391, MedGen C5555857, MONDO:0021060.

Submissions (2):

Labcorp Genetics (formerly Invitae), Labcorp
Classification: Uncertain significance for RASopathy. Last evaluated: 2025-01-18. Review status: criteria provided, single submitter. Criteria: Invitae Variant Classification Sherloc (09022015). Collection method: clinical testing. Allele origin: germline.
Comment: This sequence change falls in intron 14 of the BRAF gene. It does not directly change the encoded amino acid sequence of the BRAF protein. This variant is not present in population databases (gnomAD no frequency). This variant has not been reported in the literature in individuals affected with BRAF-related conditions. ClinVar contains an entry for this variant (Variation ID: 1711069). Algorithms developed to predict the effect of sequence changes on RNA splicing suggest that this variant may disrupt the consensus splice site. In summary, the available evidence is currently insufficient to determine the role of this variant in disease. Therefore, it has been classified as a Variant of Uncertain Significance.

Laboratory of Virology, Oncology, Biosciences and Environment, Faculty of Sciences and Techniques, Mohammedia- University Hassan II of Casablanca
Classification: Uncertain significance for Prostate cancer, hereditary, 1. Last evaluated: 2022-07-29. Review status: no assertion criteria provided. Collection method: clinical testing. Allele origin: germline. Affected: yes. Not counted in ClinVar's aggregate classification.